The following is an entry in ClinVar:

NM_000270.4(PNP):c.499G>A (p.Asp167Asn)

Gene: PNP (purine nucleoside phosphorylase; plus strand). Cytogenetic location: 14q11.2.
Variant type: single nucleotide variant.
Coding change: c.499G>A on transcript NM_000270.4 (MANE Select); coding-DNA position 499, G replaced by A.
Protein change: p.Asp167Asn; replaces aspartic acid 167 with asparagine.
Molecular consequence: missense variant.
Genome position (GRCh38, 1-based): chr14:20,475,099, G>A. VCF-style: chr14-20475099-G-A. GRCh37 (hg19) VCF-style: chr14-20943258-G-A.
Other names: short protein forms D167N.
Identifiers: ClinVar variation 1007790 (VCV001007790.6), dbSNP rs1260896460, ClinGen allele CA389145535.

ClinVar aggregate classification (germline): Uncertain significance (1 of 4 stars; one submission).

Conditions:
Purine-nucleoside phosphorylase deficiency. Also called: Immunodeficiency due to purine nucleoside phosphorylase deficiency; NUCLEOSIDE PHOSPHORYLASE DEFICIENCY. Identifiers: Orphanet 760, MedGen C0268125, MONDO:0013171, OMIM 613179.

Allele frequency attached by ClinVar (database versions not stated): gnomAD exomes below 0.00001; TOPMed below 0.00001.
gnomAD v4.1: 2 of 1,614,152 alleles (0.00012%); highest among the groups gnomAD compares: East Asian, 0.0022%; no homozygotes.

Submission:

Labcorp Genetics (formerly Invitae), Labcorp
Classification: Uncertain significance for Purine-nucleoside phosphorylase deficiency. Last evaluated: 2022-06-04. Review status: criteria provided, single submitter. Criteria: Invitae Variant Classification Sherloc (09022015). Collection method: clinical testing. Allele origin: germline.
Comment: This sequence change replaces aspartic acid, which is acidic and polar, with asparagine, which is neutral and polar, at codon 167 of the PNP protein (p.Asp167Asn). This variant is present in population databases (no rsID available, gnomAD 0.01%). This variant has not been reported in the literature in individuals affected with PNP-related conditions. ClinVar contains an entry for this variant (Variation ID: 1007790). Algorithms developed to predict the effect of missense changes on protein structure and function are either unavailable or do not agree on the potential impact of this missense change (SIFT: "Deleterious"; PolyPhen-2: "Benign"; Align-GVGD: "Class C0"). In summary, the available evidence is currently insufficient to determine the role of this variant in disease. Therefore, it has been classified as a Variant of Uncertain Significance.